The following is an entry in ClinVar:

NM_020693.4(DSCAML1):c.271G>A (p.Ala91Thr)

Gene: DSCAML1 (DS cell adhesion molecule like 1; minus strand). Cytogenetic location: 11q23.3.
Variant type: single nucleotide variant.
Coding change: c.271G>A on transcript NM_020693.4 (MANE Select); coding-DNA position 271, G replaced by A.
Protein change: p.Ala91Thr; replaces alanine 91 with threonine.
Molecular consequence: missense variant. On other transcripts: 5 prime UTR variant (1).
Genome position (GRCh38, 1-based): chr11:117,780,586, C>T on the plus strand (G>A on the coding strand, the complement: DSCAML1 is on the minus strand). VCF-style: chr11-117780586-C-T. GRCh37 (hg19) VCF-style: chr11-117651301-C-T.
Other names: c.271G>A, p.Ala91Thr (NM_001367904.1); c.-138G>A (NM_001367905.1); short protein forms A91T.
Identifiers: ClinVar variation 1944834 (VCV001944834.5), dbSNP rs773114652, ClinGen allele CA6297611.

ClinVar aggregate classification (germline): Uncertain significance (1 of 4 stars; one submission).

Allele frequency attached by ClinVar (database versions not stated): ExAC 0.00001; gnomAD 0.00001; TOPMed 0.00002.
gnomAD v4.1: 8 of 1,579,610 alleles (0.00051%); highest among the groups gnomAD compares: African/African-American, 0.0068%; no homozygotes.

Submission:

Labcorp Genetics (formerly Invitae), Labcorp
Classification: Uncertain significance. Last evaluated: 2023-03-17. Review status: criteria provided, single submitter. Criteria: Invitae Variant Classification Sherloc (09022015). Collection method: clinical testing. Allele origin: germline.
Comment: This variant has not been reported in the literature in individuals affected with DSCAML1-related conditions. In summary, the available evidence is currently insufficient to determine the role of this variant in disease. Therefore, it has been classified as a Variant of Uncertain Significance. An algorithm developed to predict the effect of missense changes on protein structure and function (PolyPhen-2) suggests that this variant is likely to be disruptive. ClinVar contains an entry for this variant (Variation ID: 1944834). The frequency data for this variant in the population databases is considered unreliable, as metrics indicate poor data quality at this position in the gnomAD database. This sequence change replaces alanine, which is neutral and non-polar, with threonine, which is neutral and polar, at codon 151 of the DSCAML1 protein (p.Ala151Thr).